The following is an entry in ClinVar:

NM_001283009.2(RTEL1):c.1348+3A>G

Genes: RTEL1 (regulator of telomere elongation helicase 1; plus strand), RTEL1-TNFRSF6B (RTEL1-TNFRSF6B readthrough (NMD candidate); plus strand). Cytogenetic location: 20q13.33.
Variant type: single nucleotide variant.
Coding change: c.1348+3A>G on transcript NM_001283009.2 (MANE Select); 3 bases into the intron after coding-DNA position 1348, A replaced by G.
Molecular consequence: intron variant.
Genome position (GRCh38, 1-based): chr20:63,685,875, A>G. VCF-style: chr20-63685875-A-G. GRCh37 (hg19) VCF-style: chr20-62317228-A-G.
Other names: c.679+3A>G (NM_001283010.1); c.1420+3A>G (NM_032957.5); c.1348+3A>G (NM_016434.4).
Identifiers: ClinVar variation 2928442 (VCV002928442.3), dbSNP rs748642383, ClinGen allele CA9964742.

ClinVar aggregate classification (germline): Uncertain significance (1 of 4 stars; one submission).

Conditions:
Dyskeratosis congenita, autosomal recessive 5 (DKCB5). Identifiers: MedGen C3554656, MONDO:0014076, OMIM 615190.
Pulmonary fibrosis and/or bone marrow failure, Telomere-related, 3. Also called: PULMONARY FIBROSIS AND/OR BONE MARROW FAILURE SYNDROME, TELOMERE-RELATED, 3. Identifiers: Orphanet 2032, MedGen C4225346, MONDO:0014613, OMIM 616373.

Allele frequency attached by ClinVar (database versions not stated): gnomAD exomes below 0.00001; ExAC 0.00002.
gnomAD v4.1: 4 of 1,612,210 alleles (0.00025%); highest among the groups gnomAD compares: East Asian, 0.0067%; no homozygotes.

Submission:

Labcorp Genetics (formerly Invitae), Labcorp
Classification: Uncertain significance for Dyskeratosis congenita, autosomal recessive 5; Pulmonary fibrosis and/or bone marrow failure, Telomere-related, 3. Last evaluated: 2023-03-02. Review status: criteria provided, single submitter. Criteria: Invitae Variant Classification Sherloc (09022015). Collection method: clinical testing. Allele origin: germline.
Comment: This sequence change falls in intron 16 of the RTEL1 gene. It does not directly change the encoded amino acid sequence of the RTEL1 protein. It affects a nucleotide within the consensus splice site. In summary, the available evidence is currently insufficient to determine the role of this variant in disease. Therefore, it has been classified as a Variant of Uncertain Significance. Variants that disrupt the consensus splice site are a relatively common cause of aberrant splicing (PMID: 17576681, 9536098). Algorithms developed to predict the effect of sequence changes on RNA splicing suggest that this variant is not likely to affect RNA splicing. This variant has not been reported in the literature in individuals affected with RTEL1-related conditions. This variant is present in population databases (rs748642383, gnomAD 0.01%).

Literature cited by the submitters: PubMed 17576681; PubMed 9536098.